The following is an entry in ClinVar:

NM_000465.4(BARD1):c.1916G>A (p.Cys639Tyr)

Gene: BARD1 (BRCA1 associated RING domain 1; minus strand). Cytogenetic location: 2q35.
Variant type: single nucleotide variant.
Coding change: c.1916G>A on transcript NM_000465.4 (MANE Select); coding-DNA position 1916, G replaced by A.
Protein change: p.Cys639Tyr; replaces cysteine 639 with tyrosine.
Molecular consequence: missense variant. On other transcripts: non-coding transcript variant (3).
Genome position (GRCh38, 1-based): chr2:214,730,496, C>T on the plus strand (G>A on the coding strand, the complement: BARD1 is on the minus strand). VCF-style: chr2-214730496-C-T. GRCh37 (hg19) VCF-style: chr2-215595220-C-T.
Other names: c.1859G>A, p.Cys620Tyr (NM_001282543.2); c.563G>A, p.Cys188Tyr (NM_001282545.2); c.506G>A, p.Cys169Tyr (NM_001282548.2); c.377G>A, p.Cys126Tyr (NM_001282549.2); short protein forms C188Y, C620Y, C126Y, C169Y, C639Y.
Identifiers: ClinVar variation 1437154 (VCV001437154.10), dbSNP rs2105990862, ClinGen allele CA350451303.

ClinVar aggregate classification (germline): Uncertain significance. Review status: criteria provided, multiple submitters, no conflicts (2 of 4 stars). 3 submissions from 3 submitters: Uncertain significance (3). Last evaluated 2025-05-04.

Conditions:
Hereditary cancer-predisposing syndrome. Also called: Neoplastic Syndromes, Hereditary; Hereditary Cancer Syndrome; Hereditary neoplastic syndrome; Tumor predisposition. Identifiers: Orphanet 140162, MedGen C0027672, MeSH D009386, MONDO:0015356.
Familial cancer of breast. Also called: hereditary breast carcinoma; BREAST CANCER, FAMILIAL; Hereditary breast cancer. Identifiers: Orphanet 227535, MedGen C0346153, MONDO:0016419, OMIM 114480. Disease mechanism: loss of function.

Submissions (3):

Labcorp Genetics (formerly Invitae), Labcorp
Classification: Uncertain significance for Familial cancer of breast. Last evaluated: 2025-05-04. Review status: criteria provided, single submitter. Criteria: Invitae Variant Classification Sherloc (09022015). Collection method: clinical testing. Allele origin: germline.
Comment: This sequence change replaces cysteine, which is neutral and slightly polar, with tyrosine, which is neutral and polar, at codon 639 of the BARD1 protein (p.Cys639Tyr). This variant is not present in population databases (gnomAD no frequency). This variant has not been reported in the literature in individuals affected with BARD1-related conditions. ClinVar contains an entry for this variant (Variation ID: 1437154). An algorithm developed to predict the effect of missense changes on protein structure and function (PolyPhen-2) suggests that this variant is likely to be disruptive. In summary, the available evidence is currently insufficient to determine the role of this variant in disease. Therefore, it has been classified as a Variant of Uncertain Significance.

Color Diagnostics, LLC DBA Color Health
Classification: Uncertain significance for Hereditary cancer-predisposing syndrome. Last evaluated: 2024-05-08. Review status: criteria provided, single submitter. Criteria: ACMG Guidelines, 2015. Collection method: clinical testing. Allele origin: germline.
Comment: This missense variant replaces cysteine with tyrosine at codon 639 of the BARD1 protein. Computational prediction is inconclusive regarding the impact of this variant on protein structure and function. To our knowledge, functional studies have not been reported for this variant. This variant has not been reported in individuals affected with BARD1-related disorders in the literature. This variant has not been identified in the general population by the Genome Aggregation Database (gnomAD). The available evidence is insufficient to determine the role of this variant in disease conclusively. Therefore, this variant is classified as a Variant of Uncertain Significance.

Ambry Genetics
Classification: Uncertain significance for Hereditary cancer-predisposing syndrome. Last evaluated: 2021-09-20. Review status: criteria provided, single submitter. Criteria: Ambry Variant Classification Scheme 2023. Collection method: clinical testing. Allele origin: germline.
Comment: The p.C639Y variant (also known as c.1916G>A), located in coding exon 10 of the BARD1 gene, results from a G to A substitution at nucleotide position 1916. The cysteine at codon 639 is replaced by tyrosine, an amino acid with highly dissimilar properties. This amino acid position is conserved. In addition, this alteration is predicted to be deleterious by in silico analysis. Since supporting evidence is limited at this time, the clinical significance of this alteration remains unclear.